The following is an entry in ClinVar:

NC_000023.10:g.(?_31676087)_(31947882_?)del

Gene: DMD (dystrophin; minus strand). Cytogenetic location: Xp21.1.
Variant type: Deletion.
Identifiers: ClinVar variation 1458275 (VCV001458275.5).

ClinVar aggregate classification (germline): Pathogenic (1 of 4 stars; one submission).

Conditions:
Duchenne muscular dystrophy (DMD). Also called: Duchenne Muscular Dystrophy (DMD); MUSCULAR DYSTROPHY, PSEUDOHYPERTROPHIC PROGRESSIVE, DUCHENNE TYPE. Identifiers: Orphanet 98896, MedGen C0013264, MONDO:0010679, OMIM 310200.

Submission:

Labcorp Genetics (formerly Invitae), Labcorp
Classification: Pathogenic for Duchenne muscular dystrophy. Last evaluated: 2021-08-01. Review status: criteria provided, single submitter. Criteria: Invitae Variant Classification Sherloc (09022015). Collection method: clinical testing. Allele origin: germline.
Comment: For these reasons, this variant has been classified as Pathogenic. A similar copy number variant has been observed in individuals with Duchenne muscular dystrophy (PMID: 17259292). This variant is a gross deletion of the genomic region encompassing exon(s) 47-54 of the DMD gene. This deletion is out-of-frame, and is expected to create a premature translational stop signal and result in an absent or disrupted protein product. Loss-of-function variants in DMD are known to be pathogenic (PMID: 16770791, 25007885).

Literature cited by the submitters: PubMed 17259292; PubMed 16770791; PubMed 25007885.